The following is an entry in ClinVar:

NM_001134363.3(RBM20):c.2084A>G (p.Asp695Gly)

Gene: RBM20 (RNA binding motif protein 20; plus strand). Cytogenetic location: 10q25.2.
Variant type: single nucleotide variant.
Coding change: c.2084A>G on transcript NM_001134363.3 (MANE Select); coding-DNA position 2084, A replaced by G.
Protein change: p.Asp695Gly; replaces aspartic acid 695 with glycine.
Molecular consequence: missense variant.
Genome position (GRCh38, 1-based): chr10:110,812,481, A>G. VCF-style: chr10-110812481-A-G. GRCh37 (hg19) VCF-style: chr10-112572239-A-G.
Other names: c.2084A>G (NM_001134363.1); short protein forms D695G.
Identifiers: ClinVar variation 659086 (VCV000659086.10), dbSNP rs1036736581, ClinGen allele CA213223767.

ClinVar aggregate classification (germline): Uncertain significance. Review status: criteria provided, multiple submitters, no conflicts (2 of 4 stars). 3 submissions from 3 submitters: Uncertain significance (3). Last evaluated 2025-10-11.

Conditions:
Dilated cardiomyopathy 1DD (CMD1DD). Identifiers: Orphanet 154, MedGen C2750995, MONDO:0013168, OMIM 613172.
Cardiovascular phenotype. Identifiers: MedGen CN230736.

gnomAD v4.1: 1 of 1,551,668 alleles (0.000064%); no homozygotes.

Submissions (3):

Labcorp Genetics (formerly Invitae), Labcorp
Classification: Uncertain significance for Dilated cardiomyopathy 1DD. Last evaluated: 2025-10-11. Review status: criteria provided, single submitter. Criteria: Invitae Variant Classification Sherloc (09022015). Collection method: clinical testing. Allele origin: germline.
Comment: This sequence change replaces aspartic acid, which is acidic and polar, with glycine, which is neutral and non-polar, at codon 695 of the RBM20 protein (p.Asp695Gly). This variant is not present in population databases (gnomAD no frequency). This variant has not been reported in the literature in individuals affected with RBM20-related conditions. ClinVar contains an entry for this variant (Variation ID: 659086). Invitae Evidence Modeling of protein sequence and biophysical properties (such as structural, functional, and spatial information, amino acid conservation, physicochemical variation, residue mobility, and thermodynamic stability) indicates that this missense variant is not expected to disrupt RBM20 protein function with a negative predictive value of 95%. In summary, the available evidence is currently insufficient to determine the role of this variant in disease. Therefore, it has been classified as a Variant of Uncertain Significance.

Ambry Genetics
Classification: Uncertain significance for Cardiovascular phenotype. Last evaluated: 2025-09-11. Review status: criteria provided, single submitter. Criteria: Ambry Variant Classification Scheme 2023. Collection method: clinical testing. Allele origin: germline.

GeneDx
Classification: Uncertain significance. Last evaluated: 2025-06-26. Review status: criteria provided, single submitter. Criteria: GeneDx Variant Classification Process June 2021. Collection method: clinical testing. Allele origin: germline. Affected: yes.
Comment: Not observed at significant frequency in large population cohorts (gnomAD); In silico analysis suggests that this missense variant does not alter protein structure/function; Has not been previously published as pathogenic or benign to our knowledge